The following is an entry in ClinVar:

ClinVar aggregate classification (germline): Likely pathogenic (1 of 4 stars; one submission).

Conditions:
Primary familial dilated cardiomyopathy (FDC). Also called: Hypokinetic dilated cardiomyopathy, familial; Familial dilated cardiomyopathy. Identifiers: Orphanet 217607, MedGen C0340427, MONDO:0016333.

Submission:

Women's Health and Genetics/Laboratory Corporation of America, LabCorp
Classification: Likely pathogenic for Primary familial dilated cardiomyopathy. Last evaluated: 2022-01-30. Review status: criteria provided, single submitter. Criteria: LabCorp Variant Classification Summary - May 2015. Collection method: clinical testing. Allele origin: germline.
Comment: Variant summary: TTN c.90764dupA (p.Asp30255GlufsX5) results in a premature termination codon, predicted to cause a truncation of the encoded protein or absence of the protein due to nonsense mediated decay, which are commonly known mechanisms for disease. Truncations downstream of this position have not been observed at our laboratory but have been reported with a disease phenotype of monogenic dilated cardiomyopathy in the HGMD database (example, c.93238A>T, p.Arg31080X). The variant was absent in 248606 control chromosomes. To our knowledge, no occurrence of c.90764dupA in individuals affected with Dilated Cardiomyopathy and no experimental evidence demonstrating its impact on protein function have been reported. No clinical diagnostic laboratories have submitted clinical-significance assessments for this variant to ClinVar after 2014. Based on the evidence outlined above, the variant was classified as likely pathogenic.

NM_001267550.2(TTN):c.98468dup (p.Asp32823fs)

Genes: TTN (titin; minus strand), TTN-AS1 (TTN antisense RNA 1; plus strand). Cytogenetic location: 2q31.2.
Variant type: Duplication.
Coding change: c.98468dup on transcript NM_001267550.2 (MANE Select); coding-DNA position 98468, one base duplicated (A; older notation c.98468dupA).
Protein change: p.Asp32823fs; shifts the reading frame from aspartic acid 32823.
Molecular consequence: frameshift variant. On other transcripts: non-coding transcript variant (1).
Genome position (GRCh38, 1-based): chr2:178,539,597, T duplicated on the plus strand (A on the coding strand, the reverse complement: TTN is on the minus strand). VCF-style (leftmost placement, unchanged base first): chr2-178539596-A-AT. GRCh37 (hg19) VCF-style: chr2-179404323-A-AT.
Other names: c.93545dup, p.Asp31182fs (NM_001256850.1); c.71273dup, p.Asp23758fs (NM_003319.4); c.90764dup, p.Asp30255fs (NM_133378.4); c.71648dup, p.Asp23883fs (NM_133432.3); c.71849dup, p.Asp23950fs (NM_133437.4); c.90764dupA (NM_133378.4); short protein forms D23758fs, D23883fs, D23950fs, D30255fs, D31182fs, D32823fs.
Identifiers: ClinVar variation 1339753 (VCV001339753.1), dbSNP rs2154140040, ClinGen allele CA2573051771.
Genomic context (GRCh38, chr2:178,539,596, plus strand): 5'-CCAGGCGGCTTTAGGCACTTCTCGTCTCTCGAGGATGTAGCCTAAGATGTCAGCACCACC[A>AT]TCATCAGCAGGAGGTCTCCAGCTGACCCTCACAGAGCGGACTTGGATGTCATCATATTCC-3'